The following is an entry in ClinVar:

NM_000282.4(PCCA):c.300+1G>A

Gene: PCCA (propionyl-CoA carboxylase subunit alpha; plus strand). Cytogenetic location: 13q32.3.
Variant type: single nucleotide variant.
Coding change: c.300+1G>A on transcript NM_000282.4 (MANE Select); the canonical splice donor site of the intron after coding-DNA position 300, G replaced by A.
Molecular consequence: splice donor variant.
Genome position (GRCh38, 1-based): chr13:100,112,062, G>A. VCF-style: chr13-100112062-G-A. GRCh37 (hg19) VCF-style: chr13-100764316-G-A.
Other names: c.300+1G>A (NM_001178004.2, NM_001352605.2, NM_001352606.2 and 1 more transcripts); c.-567+1G>A (NM_001352610.2, NM_001352611.2, NM_001352612.2); c.222+1G>A (NM_001127692.3, NM_001352607.2, NM_001352608.2).
Identifiers: ClinVar variation 2046028 (VCV002046028.5), dbSNP rs2542289588, ClinGen allele CA388693237.

ClinVar aggregate classification (germline): Likely pathogenic. Review status: criteria provided, multiple submitters, no conflicts (2 of 4 stars). 2 submissions from 2 submitters: Likely pathogenic (2). Last evaluated 2023-07-26.

Conditions:
Propionic acidemia (PROP). Also called: HYPERGLYCINEMIA WITH KETOACIDOSIS AND LEUKOPENIA; KETOTIC HYPERGLYCINEMIA; GLYCINEMIA, KETOTIC. Identifiers: Orphanet 35, MedGen C0268579, MONDO:0011628, OMIM 606054, HP:0003571.

Submissions (2):

Baylor Genetics
Classification: Likely pathogenic for Propionic acidemia. Last evaluated: 2023-07-26. Review status: criteria provided, single submitter. Criteria: ACMG Guidelines, 2015. Collection method: clinical testing. Allele origin: unknown.

Labcorp Genetics (formerly Invitae), Labcorp
Classification: Likely pathogenic for Propionic acidemia. Last evaluated: 2021-12-18. Review status: criteria provided, single submitter. Criteria: Invitae Variant Classification Sherloc (09022015). Collection method: clinical testing. Allele origin: germline.
Comment: This sequence change affects a donor splice site in intron 4 of the PCCA gene. It is expected to disrupt RNA splicing. Variants that disrupt the donor or acceptor splice site typically lead to a loss of protein function (PMID: 16199547), and loss-of-function variants in PCCA are known to be pathogenic (PMID: 15464417). In summary, the currently available evidence indicates that the variant is pathogenic, but additional data are needed to prove that conclusively. Therefore, this variant has been classified as Likely Pathogenic. Algorithms developed to predict the effect of sequence changes on RNA splicing suggest that this variant may disrupt the consensus splice site. This variant has not been reported in the literature in individuals affected with PCCA-related conditions. This variant is not present in population databases (gnomAD no frequency).

Literature cited by the submitters: PubMed 16199547 (cited by Labcorp Genetics (formerly Invitae), Labcorp); PubMed 15464417 (cited by Labcorp Genetics (formerly Invitae), Labcorp).